The following is an entry in ClinVar:

NM_001846.4(COL4A2):c.1488G>A (p.Pro496=)

Genes: COL4A2 (collagen type IV alpha 2 chain; plus strand), COL4A2-AS2 (COL4A2 antisense RNA 2; minus strand). Cytogenetic location: 13q34.
Variant type: single nucleotide variant.
Coding change: c.1488G>A on transcript NM_001846.4 (MANE Select); coding-DNA position 1488, G replaced by A.
Protein change: p.Pro496=; no amino-acid change (proline 496 retained).
Molecular consequence: synonymous variant.
Genome position (GRCh38, 1-based): chr13:110,458,826, G>A. VCF-style: chr13-110458826-G-A. GRCh37 (hg19) VCF-style: chr13-111111173-G-A.
Other names: p.Pro496=.
Identifiers: ClinVar variation 311128 (VCV000311128.23), dbSNP rs7990214, ClinGen allele CA7049607.
Genomic context (GRCh38, chr13:110,458,826, plus strand): 5'-TGCAGGTGACGCTGGGGAATGCAGATGTACAGAAGGCGACGAAGCTATCAAAGGTCTTCC[G>A]GGACTGCCAGGACCCAAGGGCTTCGCAGGCATCAACGGGGAGCCGGGGAGGAAAGGGGAC-3'
Protein context (NP_001837.2, residues 486-506): TEGDEAIKGL[Pro496=]GLPGPKGFAG

ClinVar aggregate classification (germline): Benign. Review status: criteria provided, multiple submitters, no conflicts (2 of 4 stars). 9 submissions from 9 submitters: Benign (7). 2 of the submissions do not count toward it. Last evaluated 2026-02-03.

Conditions:
Brain small vessel disease 2A, autosomal dominant. Also called: Porencephaly 2. Identifiers: Orphanet 2940, Orphanet 99810, MedGen C3280970, MONDO:0013773, OMIM 614483.

Allele frequency attached by ClinVar (database versions not stated): 1000 Genomes Project 0.49141; 1000 Genomes Project 30x 0.49828; gnomAD exomes 0.52051 and 0.57542; ExAC 0.52883; gnomAD 0.57170 and 0.58092; TOPMed 0.57887; ESP Exome Variant Server 0.62097.
gnomAD v4.1: 927,898 of 1,613,380 alleles (58%); highest among the groups gnomAD compares: Middle Eastern, 68%; 273,917 homozygotes.

Submissions (9):

Labcorp Genetics (formerly Invitae), Labcorp
Classification: Benign. Last evaluated: 2026-02-03. Review status: criteria provided, single submitter. Criteria: Invitae Variant Classification Sherloc (09022015). Collection method: clinical testing. Allele origin: germline.

Blueprint Genetics
Classification: Benign. Last evaluated: 2024-11-27. Review status: criteria provided, single submitter. Criteria: ACMG Guidelines, 2015. Collection method: clinical testing. Allele origin: germline.

Mayo Clinic Laboratories, Mayo Clinic
Classification: Benign. Last evaluated: 2022-04-26. Review status: criteria provided, single submitter. Criteria: ACMG Guidelines, 2015. Collection method: clinical testing. Allele origin: germline. Observed: 245 variant alleles.

Genome-Nilou Lab
Classification: Benign for Brain small vessel disease 2A, autosomal dominant. Last evaluated: 2021-07-22. Review status: criteria provided, single submitter. Criteria: ACMG Guidelines, 2015. Collection method: clinical testing. Allele origin: germline. Affected: no.

GeneDx
Classification: Benign. Last evaluated: 2018-03-24. Review status: criteria provided, single submitter. Criteria: GeneDx Variant Classification (06012015). Collection method: clinical testing. Allele origin: germline. Affected: yes.
Comment: This variant is considered likely benign or benign based on one or more of the following criteria: it is a conservative change, it occurs at a poorly conserved position in the protein, it is predicted to be benign by multiple in silico algorithms, and/or has population frequency not consistent with disease.

Illumina Laboratory Services, Illumina
Classification: Benign for Brain small vessel disease 2A, autosomal dominant. Last evaluated: 2018-01-13. Review status: criteria provided, single submitter. Criteria: ICSL Variant Classification Criteria 13 December 2019. Collection method: clinical testing. Allele origin: germline.
Comment: This variant was observed in the ICSL laboratory as part of a predisposition screen in an ostensibly healthy population. It had not been previously curated by ICSL or reported in the Human Gene Mutation Database (HGMD: prior to June 1st, 2018), and was therefore a candidate for classification through an automated scoring system. Utilizing variant allele frequency, disease prevalence and penetrance estimates, and inheritance mode, an automated score was calculated to assess if this variant is too frequent to cause the disease. Based on the score and internal cut-off values, a variant classified as benign is not then subjected to further curation. The score for this variant resulted in a classification of benign for this disease.

Breakthrough Genomics
Classification: Benign. Review status: criteria provided, single submitter. Criteria: ACMG Guidelines, 2015. Collection method: not provided. Allele origin: germline. Inheritance: Autosomal dominant inheritance. Affected: yes.

Clinical Genetics DNA and cytogenetics Diagnostics Lab, Erasmus MC, Erasmus Medical Center
Classification: Benign. Review status: no assertion criteria provided. Collection method: clinical testing. Allele origin: germline. Affected: yes. Study: VKGL Data-share Consensus. Not counted in ClinVar's aggregate classification.

Diagnostic Laboratory, Department of Genetics, University Medical Center Groningen
Classification: Benign. Review status: no assertion criteria provided. Collection method: clinical testing. Allele origin: germline. Affected: yes. Study: VKGL Data-share Consensus. Not counted in ClinVar's aggregate classification.